The following is an entry in ClinVar:

NM_032444.4(SLX4):c.3686T>C (p.Leu1229Ser)

Gene: SLX4 (SLX4 structure-specific endonuclease subunit; minus strand). Cytogenetic location: 16p13.3.
Variant type: single nucleotide variant.
Coding change: c.3686T>C on transcript NM_032444.4 (MANE Select); coding-DNA position 3686, T replaced by C.
Protein change: p.Leu1229Ser; replaces leucine 1229 with serine.
Molecular consequence: missense variant.
Genome position (GRCh38, 1-based): chr16:3,589,952, A>G on the plus strand (T>C on the coding strand, the complement: SLX4 is on the minus strand). VCF-style: chr16-3589952-A-G. GRCh37 (hg19) VCF-style: chr16-3639953-A-G.
Other names: short protein forms L1229S.
Identifiers: ClinVar variation 2150713 (VCV002150713.3), dbSNP rs2548212387, ClinGen allele CA394519612.

ClinVar aggregate classification (germline): Uncertain significance (1 of 4 stars; one submission).

Conditions:
Fanconi anemia (FA). Also called: Fanconi's anemia. Identifiers: Orphanet 84, MedGen C0015625, MeSH D005199, MONDO:0019391.

Allele frequency attached by ClinVar (database versions not stated): gnomAD exomes below 0.00001.
gnomAD v4.1: 1 of 1,613,644 alleles (0.000062%); highest among the groups gnomAD compares: Non-Finnish European, 0.000085%; no homozygotes.

Submission:

Labcorp Genetics (formerly Invitae), Labcorp
Classification: Uncertain significance for Fanconi anemia. Last evaluated: 2022-08-19. Review status: criteria provided, single submitter. Criteria: Invitae Variant Classification Sherloc (09022015). Collection method: clinical testing. Allele origin: germline.
Comment: In summary, the available evidence is currently insufficient to determine the role of this variant in disease. Therefore, it has been classified as a Variant of Uncertain Significance. Algorithms developed to predict the effect of missense changes on protein structure and function (SIFT, PolyPhen-2, Align-GVGD) all suggest that this variant is likely to be tolerated. This variant has not been reported in the literature in individuals affected with SLX4-related conditions. This variant is not present in population databases (gnomAD no frequency). This sequence change replaces leucine, which is neutral and non-polar, with serine, which is neutral and polar, at codon 1229 of the SLX4 protein (p.Leu1229Ser).